The following is an entry in ClinVar:

ClinVar aggregate classification (germline): Uncertain significance (1 of 4 stars; one submission).

Conditions:
Inborn genetic diseases. Identifiers: MedGen C0950123, MeSH D030342.

Submission:

Ambry Genetics
Classification: Uncertain significance for Inborn genetic diseases. Last evaluated: 2021-08-19. Review status: criteria provided, single submitter. Criteria: Ambry Variant Classification Scheme 2023. Collection method: clinical testing. Allele origin: germline.
Comment: The p.I631M variant (also known as c.1893C>G), located in coding exon 13 of the LTBP3 gene, results from a C to G substitution at nucleotide position 1893. The isoleucine at codon 631 is replaced by methionine, an amino acid with highly similar properties. This amino acid position is conserved. In addition, this alteration is predicted to be tolerated by in silico analysis. Since supporting evidence is limited at this time, the clinical significance of this alteration remains unclear.

NM_001130144.3(LTBP3):c.1893C>G (p.Ile631Met)

Gene: LTBP3 (latent transforming growth factor beta binding protein 3; minus strand). Cytogenetic location: 11q13.1.
Variant type: single nucleotide variant.
Coding change: c.1893C>G on transcript NM_001130144.3 (MANE Select); coding-DNA position 1893, C replaced by G.
Protein change: p.Ile631Met; replaces isoleucine 631 with methionine.
Molecular consequence: missense variant.
Genome position (GRCh38, 1-based): chr11:65,547,775, G>C on the plus strand (C>G on the coding strand, the complement: LTBP3 is on the minus strand). VCF-style: chr11-65547775-G-C. GRCh37 (hg19) VCF-style: chr11-65315246-G-C.
Other names: c.1542C>G, p.Ile514Met (NM_001164266.1); c.1893C>G, p.Ile631Met (NM_021070.4); short protein forms I631M, I514M.
Identifiers: ClinVar variation 1782105 (VCV001782105.2), dbSNP rs2496154585, ClinGen allele CA381271522.
Genomic context (GRCh38, chr11:65,547,775, plus strand): 5'-CACGTGCAGGCGGTAGCCGCGGTTGCAGTGGCAATTGTAGGAGCCGCCGGTGTTCATGCA[G>C]ATGCCCCTCCCCGGGCCACAGGGCTCTGCCTCGCACTCGTTCACATCTGAGAAGAACGGG-3'
Protein context (NP_001123616.1, residues 621-641): EAEPCGPGRG[Ile631Met]CMNTGGSYNC